The following is an entry in ClinVar:

NM_000535.7(PMS2):c.1196A>G (p.Lys399Arg)

Gene: PMS2 (PMS1 homolog 2, mismatch repair system component; minus strand). Cytogenetic location: 7p22.1.
Variant type: single nucleotide variant.
Coding change: c.1196A>G on transcript NM_000535.7 (MANE Select); coding-DNA position 1196, A replaced by G.
Protein change: p.Lys399Arg; replaces lysine 399 with arginine.
Molecular consequence: missense variant. On other transcripts: non-coding transcript variant (1).
Genome position (GRCh38, 1-based): chr7:5,987,569, T>C on the plus strand (A>G on the coding strand, the complement: PMS2 is on the minus strand). VCF-style: chr7-5987569-T-C. GRCh37 (hg19) VCF-style: chr7-6027200-T-C.
Other names: c.791A>G, p.Lys264Arg (NM_001322003.2, NM_001322004.2, NM_001322005.2 and 1 more transcripts); c.1040A>G, p.Lys347Arg (NM_001322006.2); c.878A>G, p.Lys293Arg (NM_001322007.2, NM_001322008.2); c.635A>G, p.Lys212Arg (NM_001322010.2); c.263A>G, p.Lys88Arg (NM_001322011.2, NM_001322012.2); c.623A>G, p.Lys208Arg (NM_001322013.2); c.1196A>G, p.Lys399Arg (NM_001322014.2); c.887A>G, p.Lys296Arg (NM_001322015.2); short protein forms K399R, K208R, K293R, K347R, K264R, K212R, K296R, K88R.
Identifiers: ClinVar variation 653402 (VCV000653402.8), dbSNP rs1583323473, ClinGen allele CA366742589.

ClinVar aggregate classification (germline): Uncertain significance (1 of 4 stars; one submission).

Conditions:
Hereditary nonpolyposis colorectal neoplasms. Identifiers: MedGen C0009405, MeSH D003123.

gnomAD v4.1: 1 of 1,612,994 alleles (0.000062%); no homozygotes.

Submission:

Labcorp Genetics (formerly Invitae), Labcorp
Classification: Uncertain significance for Hereditary nonpolyposis colorectal neoplasms. Last evaluated: 2018-10-29. Review status: criteria provided, single submitter. Criteria: Invitae Variant Classification Sherloc (09022015). Collection method: clinical testing. Allele origin: germline.
Comment: Algorithms developed to predict the effect of missense changes on protein structure and function output the following: SIFT: "Tolerated"; PolyPhen-2: "Benign"; Align-GVGD: "Class C0". The arginine amino acid residue is found in multiple mammalian species, suggesting that this missense change does not adversely affect protein function. These predictions have not been confirmed by published functional studies and their clinical significance is uncertain. In summary, the available evidence is currently insufficient to determine the role of this variant in disease. Therefore, it has been classified as a Variant of Uncertain Significance. This variant has not been reported in the literature in individuals with PMS2-related disease. This sequence change replaces lysine with arginine at codon 399 of the PMS2 protein (p.Lys399Arg). The lysine residue is weakly conserved and there is a small physicochemical difference between lysine and arginine. This variant is not present in population databases (ExAC no frequency).